The following is an entry in ClinVar:

ClinVar aggregate classification (germline): Likely benign. Review status: criteria provided, multiple submitters, no conflicts (2 of 4 stars). 3 submissions from 3 submitters: Likely benign (2). 1 of the submissions does not count toward it. Last evaluated 2024-11-13.

Conditions:
KYNU-related disorder. Also called: KYNU-related condition; KYNU-related disorders.

Allele frequency attached by ClinVar (database versions not stated): gnomAD 0.00001 and 0.00002; gnomAD exomes 0.00001; ExAC 0.00002; TOPMed 0.00003; 1000 Genomes Project 30x 0.00031; 1000 Genomes Project 0.00040.
gnomAD v4.1: 33 of 1,614,076 alleles (0.002%); highest among the groups gnomAD compares: Middle Eastern, 0.05%; no homozygotes.

Submissions (3):

Blueprint Genetics
Classification: Likely benign. Last evaluated: 2024-11-13. Review status: criteria provided, single submitter. Criteria: ACMG Guidelines, 2015. Collection method: clinical testing. Allele origin: germline.

Labcorp Genetics (formerly Invitae), Labcorp
Classification: Likely benign. Last evaluated: 2019-12-31. Review status: criteria provided, single submitter. Criteria: Invitae Variant Classification Sherloc (09022015). Collection method: clinical testing. Allele origin: germline.

PreventionGenetics, part of Exact Sciences
Classification: Likely benign for KYNU-related condition. Last evaluated: 2019-03-14. Review status: no assertion criteria provided. Collection method: clinical testing. Allele origin: germline. Not counted in ClinVar's aggregate classification.
Comment: This variant is classified as likely benign based on ACMG/AMP sequence variant interpretation guidelines (Richards et al. 2015 PMID: 25741868, with internal and published modifications).

NM_003937.3(KYNU):c.60C>T (p.Leu20=)

Gene: KYNU (kynureninase; plus strand). Cytogenetic location: 2q22.2.
Variant type: single nucleotide variant.
Coding change: c.60C>T on transcript NM_003937.3 (MANE Select); coding-DNA position 60, C replaced by T.
Protein change: p.Leu20=; no amino-acid change (leucine 20 retained).
Molecular consequence: synonymous variant.
Genome position (GRCh38, 1-based): chr2:142,885,427, C>T. VCF-style: chr2-142885427-C-T. GRCh37 (hg19) VCF-style: chr2-143642996-C-T.
Other names: c.60C>T, p.Leu20= (NM_001032998.2, NM_001199241.2).
Identifiers: ClinVar variation 799097 (VCV000799097.7), dbSNP rs138596617, ClinGen allele CA1896520.